The following is an entry in ClinVar:

ClinVar aggregate classification (germline): Uncertain significance. Review status: criteria provided, multiple submitters, no conflicts (2 of 4 stars). 5 submissions from 5 submitters: Uncertain significance (5). Last evaluated 2024-08-20.

Conditions:
Hereditary cancer-predisposing syndrome. Also called: Tumor predisposition; Neoplastic Syndromes, Hereditary; Hereditary Cancer Syndrome; Hereditary neoplastic syndrome. Identifiers: Orphanet 140162, MedGen C0027672, MeSH D009386, MONDO:0015356.
Familial cancer of breast. Also called: BREAST CANCER, FAMILIAL; Hereditary breast cancer; hereditary breast carcinoma. Identifiers: Orphanet 227535, MedGen C0346153, MONDO:0016419, OMIM 114480. Disease mechanism: loss of function.
Ataxia-telangiectasia syndrome (AT). Also called: Cerebello-oculocutaneous telangiectasia; Immunodeficiency with ataxia telangiectasia; ATAXIA-TELANGIECTASIA, COMPLEMENTATION GROUP A; Ataxia-telangiectasia, complementation group D; AT, COMPLEMENTATION GROUP C; ATAXIA-TELANGIECTASIA, FRESNO VARIANT. Identifiers: Orphanet 100, MedGen C0004135, MONDO:0008840, OMIM 208900.

gnomAD v4.1: 1 of 1,614,026 alleles (0.000062%); highest among the groups gnomAD compares: African/African-American, 0.0013%; no homozygotes.

Submissions (5):

Labcorp Genetics (formerly Invitae), Labcorp
Classification: Uncertain significance for Ataxia-telangiectasia syndrome. Last evaluated: 2024-08-20. Review status: criteria provided, single submitter. Criteria: Invitae Variant Classification Sherloc (09022015). Collection method: clinical testing. Allele origin: germline.
Comment: This sequence change replaces aspartic acid, which is acidic and polar, with valine, which is neutral and non-polar, at codon 894 of the ATM protein (p.Asp894Val). This variant is not present in population databases (gnomAD no frequency). This variant has not been reported in the literature in individuals affected with ATM-related conditions. ClinVar contains an entry for this variant (Variation ID: 479016). An algorithm developed to predict the effect of missense changes on protein structure and function (PolyPhen-2) suggests that this variant is likely to be disruptive. In summary, the available evidence is currently insufficient to determine the role of this variant in disease. Therefore, it has been classified as a Variant of Uncertain Significance.

Color Diagnostics, LLC DBA Color Health
Classification: Uncertain significance for Hereditary cancer-predisposing syndrome. Last evaluated: 2023-12-05. Review status: criteria provided, single submitter. Criteria: ACMG Guidelines, 2015. Collection method: clinical testing. Allele origin: germline.
Comment: This missense variant replaces aspartic acid with valine at codon 894 of the ATM protein. Computational prediction suggests that this variant may have deleterious impact on protein structure and function (internally defined REVEL score threshold >= 0.7, PMID: 27666373). To our knowledge, functional studies have not been reported for this variant. This variant has not been reported in individuals affected with ATM-related disorders in the literature. This variant has not been identified in the general population by the Genome Aggregation Database (gnomAD). The available evidence is insufficient to determine the role of this variant in disease conclusively. Therefore, this variant is classified as a Variant of Uncertain Significance.

Baylor Genetics
Classification: Uncertain significance for Familial cancer of breast. Last evaluated: 2023-10-20. Review status: criteria provided, single submitter. Criteria: ACMG Guidelines, 2015. Collection method: clinical testing. Allele origin: unknown.

GeneDx
Classification: Uncertain significance. Last evaluated: 2023-10-18. Review status: criteria provided, single submitter. Criteria: GeneDx Variant Classification Process June 2021. Collection method: clinical testing. Allele origin: germline. Affected: yes.
Comment: Not observed at significant frequency in large population cohorts (gnomAD); In silico analysis supports that this missense variant has a deleterious effect on protein structure/function; Has not been previously published as pathogenic or benign to our knowledge

Ambry Genetics
Classification: Uncertain significance for Hereditary cancer-predisposing syndrome. Last evaluated: 2022-10-27. Review status: criteria provided, single submitter. Criteria: Ambry Variant Classification Scheme 2023. Collection method: clinical testing. Allele origin: germline.
Comment: The p.D894V variant (also known as c.2681A>T), located in coding exon 17 of the ATM gene, results from an A to T substitution at nucleotide position 2681. The aspartic acid at codon 894 is replaced by valine, an amino acid with highly dissimilar properties. This amino acid position is highly conserved in available vertebrate species. In addition, this alteration is predicted to be deleterious by in silico analysis. Since supporting evidence is limited at this time, the clinical significance of this alteration remains unclear.

NM_000051.4(ATM):c.2681A>T (p.Asp894Val)

Gene: ATM (ATM serine/threonine kinase; plus strand). Cytogenetic location: 11q22.3.
Variant type: single nucleotide variant.
Coding change: c.2681A>T on transcript NM_000051.4 (MANE Select); coding-DNA position 2681, A replaced by T.
Protein change: p.Asp894Val; replaces aspartic acid 894 with valine.
Molecular consequence: missense variant.
Genome position (GRCh38, 1-based): chr11:108,268,452, A>T. VCF-style: chr11-108268452-A-T. GRCh37 (hg19) VCF-style: chr11-108139179-A-T.
Other names: c.2681A>T, p.Asp894Val (NM_001351834.2); short protein forms D894V.
Identifiers: ClinVar variation 479016 (VCV000479016.18), dbSNP rs113482790, ClinGen allele CA382545147.